The following is an entry in ClinVar:

NM_005560.6(LAMA5):c.9235C>T (p.Arg3079Trp)

Gene: LAMA5 (laminin subunit alpha 5; minus strand). Cytogenetic location: 20q13.33.
Variant type: single nucleotide variant.
Coding change: c.9235C>T on transcript NM_005560.6 (MANE Select); coding-DNA position 9235, C replaced by T.
Protein change: p.Arg3079Trp; replaces arginine 3079 with tryptophan.
Molecular consequence: missense variant.
Genome position (GRCh38, 1-based): chr20:62,312,525, G>A on the plus strand (C>T on the coding strand, the complement: LAMA5 is on the minus strand). VCF-style: chr20-62312525-G-A. GRCh37 (hg19) VCF-style: chr20-60887581-G-A.
Other names: p.Arg3079Trp; short protein forms R3079W.
Identifiers: ClinVar variation 1297290 (VCV001297290.11), dbSNP rs944895, ClinGen allele CA9940341.

ClinVar aggregate classification (germline): Benign. Review status: criteria provided, multiple submitters, no conflicts (2 of 4 stars). 4 submissions from 4 submitters: Benign (4). Last evaluated 2026-02-04.

Allele frequency attached by ClinVar (database versions not stated): TOPMed 0.63861; gnomAD 0.63838 and 0.64316; 1000 Genomes Project 30x 0.67395; 1000 Genomes Project 0.67712; ESP Exome Variant Server 0.62433; gnomAD exomes 0.67754; ExAC 0.68113.
gnomAD v4.1: 1,035,839 of 1,598,442 alleles (65%); highest among the groups gnomAD compares: South Asian, 73%; 337,535 homozygotes.

Submissions (4):

Labcorp Genetics (formerly Invitae), Labcorp
Classification: Benign. Last evaluated: 2026-02-04. Review status: criteria provided, single submitter. Criteria: Invitae Variant Classification Sherloc (09022015). Collection method: clinical testing. Allele origin: germline.

Mayo Clinic Laboratories, Mayo Clinic
Classification: Benign. Last evaluated: 2022-11-14. Review status: criteria provided, single submitter. Criteria: ACMG Guidelines, 2015. Collection method: clinical testing. Allele origin: germline. Observed: 132 variant alleles.
Comment: BA1

GeneDx
Classification: Benign. Last evaluated: 2019-01-22. Review status: criteria provided, single submitter. Criteria: GeneDx Variant Classification Process June 2021. Collection method: clinical testing. Allele origin: germline. Affected: yes.
Comment: This variant is associated with the following publications: (PMID: 23264881, 18694491)

Breakthrough Genomics
Classification: Benign. Review status: criteria provided, single submitter. Criteria: ACMG Guidelines, 2015. Collection method: not provided. Allele origin: germline. Inheritance: Autosomal recessive inheritance. Affected: yes.